The following is an entry in ClinVar:

NM_001367479.1(DNAH14):c.3697C>T (p.Gln1233Ter)

Gene: DNAH14 (dynein axonemal heavy chain 14; plus strand). Cytogenetic location: 1q42.12.
Variant type: single nucleotide variant.
Coding change: c.3697C>T on transcript NM_001367479.1 (MANE Select); coding-DNA position 3697, C replaced by T.
Protein change: p.Gln1233Ter; replaces glutamine 1233 with a stop codon.
Molecular consequence: nonsense.
Genome position (GRCh38, 1-based): chr1:225,100,714, C>T. VCF-style: chr1-225100714-C-T. GRCh37 (hg19) VCF-style: chr1-225288416-C-T.
Other names: short protein forms Q1233*.
Identifiers: ClinVar variation 2683757 (VCV002683757.1), dbSNP rs768225657, ClinGen allele CA1415910.

ClinVar aggregate classification (germline): Likely pathogenic (1 of 4 stars; one submission).

Conditions:
Neurodevelopmental disorder. Identifiers: MedGen C1535926, MeSH D065886, MONDO:0700092.

Allele frequency attached by ClinVar (database versions not stated): ExAC 0.00006.
gnomAD v4.1: 3 of 1,479,550 alleles (0.0002%); highest among the groups gnomAD compares: South Asian, 0.0029%; no homozygotes.

Submission:

Diagnostics Services (NGS), CSIR - Centre For Cellular And Molecular Biology
Classification: Likely pathogenic for Neurodevelopmental disorder. Last evaluated: 2024-01-05. Review status: criteria provided, single submitter. Criteria: ACMG Guidelines, 2015. Collection method: clinical testing. Allele origin: germline. Affected: yes. Observed: 1 variant allele, 1 homozygote.
Comment: Recently compound heterozygous variations in the DNAH14 gene (MIM*603341) have been reported to cause an autosomal recessive neurodevelopmental disorder characterized by seizures, global developmental delay, microcephaly and hypotonia [PMID: 35438214]. The c.3697C>T variant is not present in publicly available population databases like 1000 Genomes, EVS, Indian Exome Database or our in-house exome database. The variant is present in ExAC and gnomAD at low frequencies. This variant has neither been published in literature for DNAH14-related conditions nor reported to clinical databases like ClinVar, OMIM or HGMD, in any affected individuals. In-silico pathogenicity prediction programs like MutationTaster2, CADD, Varsome, Franklin, etc predicted this variant to be likely deleterious. This variant creates a premature translational stop codon at the 1233rd amino acid position of the transcript that may either result in translation of a truncated protein or cause nonsense mediated decay of the mRNA.

Literature cited by the submitters: PubMed 35438214.